The following is an entry in ClinVar:

ClinVar aggregate classification (germline): Benign/Likely benign. Review status: criteria provided, multiple submitters, no conflicts (2 of 4 stars). 8 submissions from 8 submitters: Benign (5); Likely benign (3). Last evaluated 2026-07-23.

Conditions:
Rhabdoid tumor predisposition syndrome 2 (RTPS2). Identifiers: Orphanet 231108, Orphanet 69077, MedGen C2750074, MONDO:0013224, OMIM 613325.
Hereditary cancer-predisposing syndrome. Also called: Hereditary Cancer Syndrome; Hereditary neoplastic syndrome; Neoplastic Syndromes, Hereditary; Tumor predisposition. Identifiers: Orphanet 140162, MedGen C0027672, MeSH D009386, MONDO:0015356.
Intellectual disability, autosomal dominant 16 (CSS4). Also called: COFFIN-SIRIS SYNDROME 4. Identifiers: Orphanet 1465, MedGen C3553249, MONDO:0013821, OMIM 614609.

Allele frequency attached by ClinVar (database versions not stated): gnomAD below 0.00001 and 0.00013; TOPMed 0.00002; ExAC 0.00110; 1000 Genomes Project 30x 0.00141; 1000 Genomes Project 0.00180; gnomAD exomes 0.00020 and 0.00047.
gnomAD v4.1: 302 of 1,562,900 alleles (0.019%); highest among the groups gnomAD compares: South Asian, 0.33%; 2 homozygotes.

Submissions (8):

Myriad Genetics, Inc.
Classification: Benign for Rhabdoid tumor predisposition syndrome 2. Last evaluated: 2026-07-23. Review status: criteria provided, single submitter. Criteria: Myriad Autosomal Dominant, Autosomal Recessive and X-Linked Classification Criteria (2023). Collection method: clinical testing. Allele origin: unknown.
Comment: This variant is considered benign. This variant is a silent/synonymous amino acid change and it is not expected to impact splicing.

Labcorp Genetics (formerly Invitae), Labcorp
Classification: Benign for Rhabdoid tumor predisposition syndrome 2. Last evaluated: 2026-01-11. Review status: criteria provided, single submitter. Criteria: Invitae Variant Classification Sherloc (09022015). Collection method: clinical testing. Allele origin: germline.

CeGaT Center for Human Genetics Tuebingen
Classification: Likely benign. Last evaluated: 2025-03-01. Review status: criteria provided, single submitter. Criteria: CeGaT Center For Human Genetics Tuebingen Variant Classification Criteria Version 2. Collection method: clinical testing. Allele origin: germline. Affected: yes. Observed: 1 variant allele.
Comment: SMARCA4: BP4, BP7

Quest Diagnostics Nichols Institute San Juan Capistrano
Classification: Benign. Last evaluated: 2022-12-07. Review status: criteria provided, single submitter. Criteria: Quest Diagnostics criteria. Collection method: clinical testing. Allele origin: unknown.

Genome-Nilou Lab
Classification: Benign for Intellectual disability, autosomal dominant 16. Last evaluated: 2021-07-15. Review status: criteria provided, single submitter. Criteria: ACMG Guidelines, 2015. Collection method: clinical testing. Allele origin: germline. Affected: no.

Sema4
Classification: Benign for Hereditary cancer-predisposing syndrome. Last evaluated: 2021-06-29. Review status: criteria provided, single submitter. Criteria: Sema4 Curation Guidelines. Collection method: curation. Allele origin: germline.

GeneDx
Classification: Likely benign. Last evaluated: 2018-11-14. Review status: criteria provided, single submitter. Criteria: GeneDx Variant Classification Process June 2021. Collection method: clinical testing. Allele origin: germline. Affected: yes.

Ambry Genetics
Classification: Likely benign for Hereditary cancer-predisposing syndrome. Last evaluated: 2015-08-03. Review status: criteria provided, single submitter. Criteria: Ambry Variant Classification Scheme 2023. Collection method: clinical testing. Allele origin: germline.

NM_003072.5(SMARCA4):c.4773G>A (p.Arg1591=)

Gene: SMARCA4 (SWI/SNF related BAF chromatin remodeling complex subunit ATPase 4; plus strand). Cytogenetic location: 19p13.2.
Variant type: single nucleotide variant.
Coding change: c.4773G>A on transcript NM_003072.5 (MANE Select); coding-DNA position 4773, G replaced by A.
Protein change: p.Arg1591=; no amino-acid change (arginine 1591 retained).
Molecular consequence: synonymous variant. On other transcripts: non-coding transcript variant (1).
Genome position (GRCh38, 1-based): chr19:11,060,049, G>A. VCF-style: chr19-11060049-G-A. GRCh37 (hg19) VCF-style: chr19-11170725-G-A.
Other names: c.4773G>A, p.Arg1591= (NM_001128844.3); c.4683G>A, p.Arg1561= (NM_001128845.2); c.4680G>A, p.Arg1560= (NM_001128846.2); c.4674G>A, p.Arg1558= (NM_001128847.4, NM_001374457.1); c.4671G>A, p.Arg1557= (NM_001128848.2); c.4869G>A, p.Arg1623= (NM_001128849.3, NM_001387283.1).
Identifiers: ClinVar variation 415132 (VCV000415132.30), dbSNP rs568650875, ClinGen allele CA9204881.